The following is an entry in ClinVar:

NM_000548.5(TSC2):c.3792T>G (p.Pro1264=)

Gene: TSC2 (TSC complex subunit 2; plus strand). Cytogenetic location: 16p13.3.
Variant type: single nucleotide variant.
Coding change: c.3792T>G on transcript NM_000548.5 (MANE Select); coding-DNA position 3792, T replaced by G.
Protein change: p.Pro1264=; no amino-acid change (proline 1264 retained).
Molecular consequence: synonymous variant. On other transcripts: non-coding transcript variant (5).
Genome position (GRCh38, 1-based): chr16:2,081,776, T>G. VCF-style: chr16-2081776-T-G. GRCh37 (hg19) VCF-style: chr16-2131777-T-G.
Other names: c.3192T>G, p.Pro1064= (NM_001406682.1, NM_001406683.1, NM_001406680.1); c.3189T>G, p.Pro1063= (NM_001406684.1); c.3660T>G, p.Pro1220= (NM_001077183.3, NM_001370404.1, NM_001406665.1); c.3792T>G, p.Pro1264= (NM_001114382.3); c.3552T>G, p.Pro1184= (NM_001318827.2); c.3516T>G, p.Pro1172= (NM_001318829.2); c.3060T>G, p.Pro1020= (NM_001318831.2, NM_001406687.1, NM_001406688.1); c.3693T>G, p.Pro1231= (NM_001318832.2); and 18 more.
Identifiers: ClinVar variation 4071056 (VCV004071056.1).

ClinVar aggregate classification (germline): Benign (1 of 4 stars; one submission).

Conditions:
Tuberous sclerosis 2 (TSC2). Identifiers: Orphanet 805, MedGen C1860707, MONDO:0013199, OMIM 613254.

Submission:

Myriad Genetics, Inc.
Classification: Benign for Tuberous sclerosis 2. Last evaluated: 2025-05-30. Review status: criteria provided, single submitter. Criteria: Myriad Autosomal Dominant, Autosomal Recessive and X-Linked Classification Criteria (2023). Collection method: clinical testing. Allele origin: unknown.
Comment: This variant is considered benign. This variant is a silent/synonymous amino acid change and it is not expected to impact splicing.